The following is an entry in ClinVar:

ClinVar aggregate classification (germline): Uncertain significance (1 of 4 stars; one submission).

Submission:

Labcorp Genetics (formerly Invitae), Labcorp
Classification: Uncertain significance. Last evaluated: 2023-10-28. Review status: criteria provided, single submitter. Criteria: Invitae Variant Classification Sherloc (09022015). Collection method: clinical testing. Allele origin: germline.
Comment: This sequence change replaces histidine, which is basic and polar, with aspartic acid, which is acidic and polar, at codon 109 of the IL18BP protein (p.His109Asp). This variant is not present in population databases (gnomAD no frequency). This variant has not been reported in the literature in individuals affected with IL18BP-related conditions. Algorithms developed to predict the effect of missense changes on protein structure and function output the following: SIFT: "Not Available"; PolyPhen-2: "Benign"; Align-GVGD: "Not Available". The aspartic acid amino acid residue is found in multiple mammalian species, which suggests that this missense change does not adversely affect protein function. In summary, the available evidence is currently insufficient to determine the role of this variant in disease. Therefore, it has been classified as a Variant of Uncertain Significance.

NM_001039660.2(IL18BP):c.325C>G (p.His109Asp)

Gene: IL18BP (interleukin 18 binding protein; plus strand). Cytogenetic location: 11q13.4.
Variant type: single nucleotide variant.
Coding change: c.325C>G on transcript NM_001039660.2 (MANE Select); coding-DNA position 325, C replaced by G.
Protein change: p.His109Asp; replaces histidine 109 with aspartic acid.
Molecular consequence: missense variant. On other transcripts: intron variant (1).
Genome position (GRCh38, 1-based): chr11:72,001,290, C>G. VCF-style: chr11-72001290-C-G. GRCh37 (hg19) VCF-style: chr11-71712336-C-G.
Other names: c.325C>G, p.His109Asp (NM_001039659.2, NM_001145057.1, NM_005699.3 and 2 more transcripts); c.236-494C>G (NM_001145055.1); short protein forms H109D.
Identifiers: ClinVar variation 2772474 (VCV002772474.3), dbSNP rs1955213128, ClinGen allele CA381722192.